The following is an entry in ClinVar:

NM_001385125.1(OPN1SW):c.94T>C (p.Tyr32His)

Gene: OPN1SW (opsin 1, short wave sensitive; minus strand). Cytogenetic location: 7q32.1.
Variant type: single nucleotide variant.
Coding change: c.94T>C on transcript NM_001385125.1 (MANE Select); coding-DNA position 94, T replaced by C.
Protein change: p.Tyr32His; replaces tyrosine 32 with histidine.
Molecular consequence: missense variant.
Genome position (GRCh38, 1-based): chr7:128,775,688, A>G on the plus strand (T>C on the coding strand, the complement: OPN1SW is on the minus strand). VCF-style: chr7-128775688-A-G. GRCh37 (hg19) VCF-style: chr7-128415742-A-G.
Other names: short protein forms Y32H.
Identifiers: ClinVar variation 1486890 (VCV001486890.6), dbSNP rs1266748633, ClinGen allele CA369222781.

ClinVar aggregate classification (germline): Uncertain significance (1 of 4 stars; one submission).

Allele frequency attached by ClinVar (database versions not stated): gnomAD exomes below 0.00001; TOPMed below 0.00001; gnomAD 0.00001; 1000 Genomes Project 30x 0.00031.
gnomAD v4.1: 3 of 1,614,210 alleles (0.00019%); highest among the groups gnomAD compares: African/African-American, 0.004%; no homozygotes.

Submission:

Labcorp Genetics (formerly Invitae), Labcorp
Classification: Uncertain significance. Last evaluated: 2022-08-10. Review status: criteria provided, single submitter. Criteria: Invitae Variant Classification Sherloc (09022015). Collection method: clinical testing. Allele origin: germline.
Comment: In summary, the available evidence is currently insufficient to determine the role of this variant in disease. Therefore, it has been classified as a Variant of Uncertain Significance. Algorithms developed to predict the effect of missense changes on protein structure and function output the following: SIFT: "Tolerated"; PolyPhen-2: "Benign"; Align-GVGD: "Class C0". The histidine amino acid residue is found in multiple mammalian species, which suggests that this missense change does not adversely affect protein function. ClinVar contains an entry for this variant (Variation ID: 1486890). This variant has not been reported in the literature in individuals affected with OPN1SW-related conditions. This variant is not present in population databases (gnomAD no frequency). This sequence change replaces tyrosine, which is neutral and polar, with histidine, which is basic and polar, at codon 35 of the OPN1SW protein (p.Tyr35His).